The following is an entry in ClinVar:

NM_032122.5(DTNBP1):c.344C>G (p.Thr115Arg)

Gene: DTNBP1 (dystrobrevin binding protein 1; minus strand). Cytogenetic location: 6p22.3.
Variant type: single nucleotide variant.
Coding change: c.344C>G on transcript NM_032122.5 (MANE Select); coding-DNA position 344, C replaced by G.
Protein change: p.Thr115Arg; replaces threonine 115 with arginine.
Molecular consequence: missense variant. On other transcripts: non-coding transcript variant (1).
Genome position (GRCh38, 1-based): chr6:15,627,354, G>C on the plus strand (C>G on the coding strand, the complement: DTNBP1 is on the minus strand). VCF-style: chr6-15627354-G-C. GRCh37 (hg19) VCF-style: chr6-15627585-G-C.
Other names: c.101C>G, p.Thr34Arg (NM_001271667.2); c.293C>G, p.Thr98Arg (NM_001271668.2); c.239C>G, p.Thr80Arg (NM_001271669.2); c.344C>G, p.Thr115Arg (NM_183040.2); short protein forms T115R, T34R, T80R, T98R.
Identifiers: ClinVar variation 1484850 (VCV001484850.6), dbSNP rs1654699072, ClinGen allele CA362868848.

ClinVar aggregate classification (germline): Uncertain significance (1 of 4 stars; one submission).

Allele frequency attached by ClinVar (database versions not stated): TOPMed 0.00002.
gnomAD v4.1: 2 of 1,613,472 alleles (0.00012%); highest among the groups gnomAD compares: Non-Finnish European, 0.00017%; no homozygotes.

Submission:

Labcorp Genetics (formerly Invitae), Labcorp
Classification: Uncertain significance. Last evaluated: 2021-09-07. Review status: criteria provided, single submitter. Criteria: Invitae Variant Classification Sherloc (09022015). Collection method: clinical testing. Allele origin: germline.
Comment: This sequence change replaces threonine with arginine at codon 115 of the DTNBP1 protein (p.Thr115Arg). The threonine residue is moderately conserved and there is a moderate physicochemical difference between threonine and arginine. This variant is not present in population databases (ExAC no frequency). This variant has not been reported in the literature in individuals affected with DTNBP1-related conditions. Algorithms developed to predict the effect of missense changes on protein structure and function are either unavailable or do not agree on the potential impact of this missense change (SIFT: "Deleterious"; PolyPhen-2: "Benign"; Align-GVGD: "Class C0"). In summary, the available evidence is currently insufficient to determine the role of this variant in disease. Therefore, it has been classified as a Variant of Uncertain Significance.